The following is an entry in ClinVar:

NM_001042492.3(NF1):c.24dup (p.Trp9fs)

Genes: MIR4733HG (MIR4733 host gene; minus strand), NF1 (neurofibromin 1; plus strand), LOC111811965 (NF1 (neurofibromin 1) promoter region; plus strand). Cytogenetic location: 17q11.2.
Variant type: Duplication.
Coding change: c.24dup on transcript NM_001042492.3 (MANE Select); coding-DNA position 24, one base duplicated (A; older notation c.24dupA).
Protein change: p.Trp9fs; shifts the reading frame from tryptophan 9.
Molecular consequence: frameshift variant. On other transcripts: non-coding transcript variant (1).
Genome position (GRCh38, 1-based): chr17:31,095,333, A duplicated; the last of 2 consecutive A bases (chr17:31,095,332-31,095,333); duplicating either gives the same sequence. VCF-style (leftmost placement, unchanged base first): chr17-31095331-G-GA. GRCh37 (hg19) VCF-style: chr17-29422349-G-GA.
Other names: c.24dup, p.Trp9Metfs (NM_000267.4); c.24dup, p.Trp9fs (NM_001128147.3); short protein forms W9fs.
Identifiers: ClinVar variation 3372695 (VCV003372695.2).

ClinVar aggregate classification (germline): Pathogenic. Review status: criteria provided, multiple submitters, no conflicts (2 of 4 stars). 2 submissions from 2 submitters: Pathogenic (2). Last evaluated 2025-07-27.

Conditions:
Neurofibromatosis, type 1 (NF1). Also called: Neurofibromatosis, type I; VON RECKLINGHAUSEN DISEASE; NEUROFIBROMATOSIS, TYPE I, SOMATIC; Peripheral type neurofibromatosis. Identifiers: Orphanet 636, MedGen C0027831, MONDO:0018975, OMIM 162200. Disease mechanism: loss of function.

Submissions (2):

Labcorp Genetics (formerly Invitae), Labcorp
Classification: Pathogenic for Neurofibromatosis, type 1. Last evaluated: 2025-07-27. Review status: criteria provided, single submitter. Criteria: Invitae Variant Classification Sherloc (09022015). Collection method: clinical testing. Allele origin: germline.
Comment: This sequence change creates a premature translational stop signal (p.Trp9Metfs*29) in the NF1 gene. It is expected to result in an absent or disrupted protein product. Loss-of-function variants in NF1 are known to be pathogenic (PMID: 10712197, 23913538). This variant is not present in population databases (gnomAD no frequency). This variant has not been reported in the literature in individuals affected with NF1-related conditions. ClinVar contains an entry for this variant (Variation ID: 3372695). For these reasons, this variant has been classified as Pathogenic.

GeneDx
Classification: Pathogenic. Last evaluated: 2024-04-30. Review status: criteria provided, single submitter. Criteria: GeneDx Variant Classification Process June 2021. Collection method: clinical testing. Allele origin: germline. Affected: yes.
Comment: Frameshift variant predicted to result in protein truncation or nonsense mediated decay in a gene for which loss of function is a known mechanism of disease; Not observed at significant frequency in large population cohorts (gnomAD); Has not been previously published as pathogenic or benign to our knowledge

Literature cited by the submitters: PubMed 10712197 (cited by Labcorp Genetics (formerly Invitae), Labcorp); PubMed 23913538 (cited by Labcorp Genetics (formerly Invitae), Labcorp).